The following is an entry in ClinVar:

ClinVar aggregate classification (germline): Uncertain significance (1 of 4 stars; one submission).

Submission:

Ambry Genetics
Classification: Uncertain significance. Last evaluated: 2022-10-27. Review status: criteria provided, single submitter. Criteria: Ambry Variant Classification Scheme 2023. Collection method: clinical testing. Allele origin: germline.
Comment: The p.G201D variant (also known as c.602G>A), located in coding exon 6 of the RASA2 gene, results from a G to A substitution at nucleotide position 602. The glycine at codon 201 is replaced by aspartic acid, an amino acid with similar properties. This amino acid position is conserved. In addition, this alteration is predicted to be deleterious by in silico analysis. Since supporting evidence is limited at this time, the clinical significance of this alteration remains unclear.

NM_006506.5(RASA2):c.602G>A (p.Gly201Asp)

Gene: RASA2 (RAS p21 protein activator 2; plus strand). Cytogenetic location: 3q23.
Variant type: single nucleotide variant.
Coding change: c.602G>A on transcript NM_006506.5 (MANE Select); coding-DNA position 602, G replaced by A.
Protein change: p.Gly201Asp; replaces glycine 201 with aspartic acid.
Molecular consequence: missense variant.
Genome position (GRCh38, 1-based): chr3:141,553,931, G>A. VCF-style: chr3-141553931-G-A. GRCh37 (hg19) VCF-style: chr3-141272773-G-A.
Other names: c.602G>A, p.Gly201Asp (NM_001303245.3, NM_001303246.3); short protein forms G201D.
Identifiers: ClinVar variation 1751171 (VCV001751171.2), dbSNP rs2082610501, ClinGen allele CA354772561.
Genomic context (GRCh38, chr3:141,553,931, plus strand): 5'-ATGGGTTGCCTCTCATAAATGGCCAAAGCTGTGACCCTTATGCAACAGTTTCTCTAGTGG[G>A]CCCTTCTAGGTAATATTTATTGAATTATTATTAGGTTTTAAAGTTTTGATGTTTGATTTA-3'
Protein context (NP_006497.2, residues 191-211): CDPYATVSLV[Gly201Asp]PSRNDQKKTK